The following is an entry in ClinVar:

ClinVar aggregate classification (germline): Likely pathogenic (1 of 4 stars; one submission).

Submission:

GeneDx
Classification: Likely pathogenic. Last evaluated: 2022-05-24. Review status: criteria provided, single submitter. Criteria: GeneDx Variant Classification Process June 2021. Collection method: clinical testing. Allele origin: germline. Affected: yes.
Comment: Not observed at significant frequency in large population cohorts (gnomAD); In silico analysis supports that this missense variant has a deleterious effect on protein structure/function; Has not been previously published as pathogenic or benign to our knowledge

NM_007217.4(PDCD10):c.392T>G (p.Ile131Ser)

Gene: PDCD10 (programmed cell death 10; minus strand). Cytogenetic location: 3q26.1.
Variant type: single nucleotide variant.
Coding change: c.392T>G on transcript NM_007217.4 (MANE Select); coding-DNA position 392, T replaced by G.
Protein change: p.Ile131Ser; replaces isoleucine 131 with serine.
Molecular consequence: missense variant.
Genome position (GRCh38, 1-based): chr3:167,695,599, A>C on the plus strand (T>G on the coding strand, the complement: PDCD10 is on the minus strand). VCF-style: chr3-167695599-A-C. GRCh37 (hg19) VCF-style: chr3-167413387-A-C.
Other names: c.392T>G, p.Ile131Ser (NM_145860.2, NM_145859.2); short protein forms I131S.
Identifiers: ClinVar variation 1801208 (VCV001801208.1), dbSNP rs2475720278, ClinGen allele CA355154397.